The following is an entry in ClinVar:

NM_000426.4(LAMA2):c.2907C>A (p.Cys969Ter)

Gene: LAMA2 (laminin subunit alpha 2; plus strand). Cytogenetic location: 6q22.33.
Variant type: single nucleotide variant.
Coding change: c.2907C>A on transcript NM_000426.4 (MANE Select); coding-DNA position 2907, C replaced by A.
Protein change: p.Cys969Ter; replaces cysteine 969 with a stop codon.
Molecular consequence: nonsense.
Genome position (GRCh38, 1-based): chr6:129,297,735, C>A. VCF-style: chr6-129297735-C-A. GRCh37 (hg19) VCF-style: chr6-129618880-C-A.
Other names: c.2907C>A, p.Cys969Ter (NM_001079823.2); short protein forms C969*.
Identifiers: ClinVar variation 2136465 (VCV002136465.5), dbSNP rs1773279785, ClinGen allele CA365611007.

ClinVar aggregate classification (germline): Pathogenic. Review status: criteria provided, multiple submitters, no conflicts (2 of 4 stars). 2 submissions from 2 submitters: Pathogenic (2). Last evaluated 2026-02-20.

Conditions:
LAMA2-related muscular dystrophy (LAMA2-RD). Also called: Laminin alpha 2-related dystrophy. Identifiers: MedGen C5679788, MONDO:0100228.

Allele frequency attached by ClinVar (database versions not stated): TOPMed below 0.00001.

Submissions (2):

Myriad Genetics, Inc.
Classification: Pathogenic for LAMA2-related muscular dystrophy. Last evaluated: 2026-02-20. Review status: criteria provided, single submitter. Criteria: Myriad Autosomal Dominant, Autosomal Recessive and X-Linked Classification Criteria (2023). Collection method: clinical testing. Allele origin: unknown.
Comment: NM_000426.3(LAMA2):c.2907C>A(C969*) is a nonsense variant classified as pathogenic in the context of muscular dystrophy, LAMA2-related. C969* has been observed in a case with relevant disease (PMID: 19294599). Relevant functional assessments of this variant are not available in the literature. C969* has not been observed in referenced population frequency databases. In summary, NM_000426.3(LAMA2):c.2907C>A(C969*) is a nonsense variant in a gene where loss of function is a known mechanism of disease, is predicted to disrupt protein function, and has been observed more frequently in cases with the relevant disease than in healthy populations. Please note: this variant was assessed in the context of healthy population screening.

Labcorp Genetics (formerly Invitae), Labcorp
Classification: Pathogenic for LAMA2-related muscular dystrophy. Last evaluated: 2023-10-05. Review status: criteria provided, single submitter. Criteria: Invitae Variant Classification Sherloc (09022015). Collection method: clinical testing. Allele origin: germline.
Comment: This sequence change creates a premature translational stop signal (p.Cys969*) in the LAMA2 gene. It is expected to result in an absent or disrupted protein product. Loss-of-function variants in LAMA2 are known to be pathogenic (PMID: 18700894, 32904964). This variant is not present in population databases (gnomAD no frequency). This premature translational stop signal has been observed in individual(s) with congenital muscular dystrophy (PMID: 19294599). ClinVar contains an entry for this variant (Variation ID: 2136465). For these reasons, this variant has been classified as Pathogenic.

Literature cited by the submitters: PubMed 19294599 (cited by Myriad Genetics, Inc. and Labcorp Genetics (formerly Invitae), Labcorp); PubMed 18700894 (cited by Labcorp Genetics (formerly Invitae), Labcorp); PubMed 32904964 (cited by Labcorp Genetics (formerly Invitae), Labcorp).